The following is an entry in ClinVar:

ClinVar aggregate classification (germline): Uncertain significance. Review status: criteria provided, multiple submitters, no conflicts (2 of 4 stars). 2 submissions from 2 submitters: Uncertain significance (2). Last evaluated 2025-04-20.

Conditions:
Cardiovascular phenotype. Identifiers: MedGen CN230736.
RASopathy. Also called: rasopathies; Noonan spectrum disorder. Identifiers: Orphanet 536391, MedGen C5555857, MONDO:0021060.

Allele frequency attached by ClinVar (database versions not stated): gnomAD exomes below 0.00001; gnomAD 0.00001.
gnomAD v4.1: 4 of 1,613,258 alleles (0.00025%); highest among the groups gnomAD compares: Middle Eastern, 0.016%; no homozygotes.

Submissions (2):

Ambry Genetics
Classification: Uncertain significance for Cardiovascular phenotype. Last evaluated: 2025-04-20. Review status: criteria provided, single submitter. Criteria: Ambry Variant Classification Scheme 2023. Collection method: clinical testing. Allele origin: germline.

Labcorp Genetics (formerly Invitae), Labcorp
Classification: Uncertain significance for RASopathy. Last evaluated: 2023-08-30. Review status: criteria provided, single submitter. Criteria: Invitae Variant Classification Sherloc (09022015). Collection method: clinical testing. Allele origin: germline.
Comment: This sequence change replaces tyrosine, which is neutral and polar, with histidine, which is basic and polar, at codon 358 of the SHOC2 protein (p.Tyr358His). This variant is not present in population databases (gnomAD no frequency). This variant has not been reported in the literature in individuals affected with SHOC2-related conditions. ClinVar contains an entry for this variant (Variation ID: 1905150). Advanced modeling of protein sequence and biophysical properties (such as structural, functional, and spatial information, amino acid conservation, physicochemical variation, residue mobility, and thermodynamic stability) performed at Invitae indicates that this missense variant is not expected to disrupt SHOC2 protein function. In summary, the available evidence is currently insufficient to determine the role of this variant in disease. Therefore, it has been classified as a Variant of Uncertain Significance.

NM_007373.4(SHOC2):c.1072T>C (p.Tyr358His)

Gene: SHOC2 (SHOC2 leucine rich repeat scaffold protein; plus strand). Cytogenetic location: 10q25.2.
Variant type: single nucleotide variant.
Coding change: c.1072T>C on transcript NM_007373.4 (MANE Select); coding-DNA position 1072, T replaced by C.
Protein change: p.Tyr358His; replaces tyrosine 358 with histidine.
Molecular consequence: missense variant. On other transcripts: non-coding transcript variant (1).
Genome position (GRCh38, 1-based): chr10:111,004,705, T>C. VCF-style: chr10-111004705-T-C. GRCh37 (hg19) VCF-style: chr10-112764463-T-C.
Other names: c.934T>C, p.Tyr312His (NM_001269039.3); c.1072T>C, p.Tyr358His (NM_001324336.2, NM_001324337.2); short protein forms Y312H, Y358H.
Identifiers: ClinVar variation 1905150 (VCV001905150.6), dbSNP rs1848437801, ClinGen allele CA378523071.